The following is an entry in ClinVar:

NM_005035.4(POLRMT):c.3326A>G (p.Lys1109Arg)

Gene: POLRMT (RNA polymerase mitochondrial; minus strand). Cytogenetic location: 19p13.3.
Variant type: single nucleotide variant.
Coding change: c.3326A>G on transcript NM_005035.4 (MANE Select); coding-DNA position 3326, A replaced by G.
Protein change: p.Lys1109Arg; replaces lysine 1109 with arginine.
Molecular consequence: missense variant. On other transcripts: non-coding transcript variant (1), intron variant (2).
Genome position (GRCh38, 1-based): chr19:618,584, T>C on the plus strand (A>G on the coding strand, the complement: POLRMT is on the minus strand). VCF-style: chr19-618584-T-C. GRCh37 (hg19) VCF-style: chr19-618584-T-C.
Other names: c.3326A>G, p.Lys1109Arg (NM_001407805.1); c.3317A>G, p.Lys1106Arg (NM_001407806.1, NM_001407809.1); c.3314A>G, p.Lys1105Arg (NM_001407807.1, NM_001407810.1); c.3335A>G, p.Lys1112Arg (NM_001407808.1); c.3284A>G, p.Lys1095Arg (NM_001407811.1, NM_001407813.1); c.3287A>G, p.Lys1096Arg (NM_001407812.1); c.3248A>G, p.Lys1083Arg (NM_001407814.1, NM_001407815.1); c.3203A>G, p.Lys1068Arg (NM_001407829.1); and 7 more; short protein forms K1001R, K1034R, K1068R, K1083R, K1095R, K1096R, K1105R, K1106R.
Identifiers: ClinVar variation 3775709 (VCV003775709.3).

ClinVar aggregate classification (germline): Uncertain significance. Review status: criteria provided, multiple submitters, no conflicts (2 of 4 stars). 3 submissions from 3 submitters: Uncertain significance (3). Last evaluated 2025-02-16.

Conditions:
Combined oxidative phosphorylation deficiency 55 (COXPD55). Identifiers: MedGen C5676915, MONDO:0859228, OMIM 619743.

gnomAD v4.1: 72 of 1,611,776 alleles (0.0045%); highest among the groups gnomAD compares: Non-Finnish European, 0.006%; no homozygotes.

Submissions (3):

Laboratory of Genetics, Children's Clinical University Hospital Latvia
Classification: Uncertain significance. Last evaluated: 2025-02-16. Review status: criteria provided, single submitter. Criteria: ACMG Guidelines, 2015. Collection method: clinical testing. Allele origin: germline. Affected: yes.

Blueprint Genetics
Classification: Uncertain significance. Last evaluated: 2024-11-26. Review status: criteria provided, single submitter. Criteria: ACMG Guidelines, 2015. Collection method: clinical testing. Allele origin: germline.

3billion
Classification: Uncertain significance for Combined oxidative phosphorylation deficiency 55. Last evaluated: 2023-10-16. Review status: criteria provided, single submitter. Criteria: ACMG Guidelines, 2015. Collection method: clinical testing. Allele origin: germline. Affected: yes.
Comment: The variant is observed at an extremely low frequency in the gnomAD v2.1.1 dataset (total allele frequency: 0.004%). Predicted Consequence/Location: Missense variant In silico tools predict the variant to alter splicing and produce an abnormal transcript [SpliceAI: 0.93 (>=0.2, moderate evidence for spliceogenicity)]. Therefore, this variant is classified as VUS according to the recommendation of ACMG/AMP guideline.